The following is an entry in ClinVar:

ClinVar aggregate classification (germline): Uncertain significance (1 of 4 stars; one submission).

Submission:

Labcorp Genetics (formerly Invitae), Labcorp
Classification: Uncertain significance. Last evaluated: 2023-04-24. Review status: criteria provided, single submitter. Criteria: Invitae Variant Classification Sherloc (09022015). Collection method: clinical testing. Allele origin: germline.
Comment: In summary, the available evidence is currently insufficient to determine the role of this variant in disease. Therefore, it has been classified as a Variant of Uncertain Significance. Advanced modeling of protein sequence and biophysical properties (such as structural, functional, and spatial information, amino acid conservation, physicochemical variation, residue mobility, and thermodynamic stability) performed at Invitae indicates that this missense variant is expected to disrupt SZT2 protein function. ClinVar contains an entry for this variant (Variation ID: 1353947). This variant has not been reported in the literature in individuals affected with SZT2-related conditions. This variant is not present in population databases (gnomAD no frequency). This sequence change replaces aspartic acid, which is acidic and polar, with asparagine, which is neutral and polar, at codon 1935 of the SZT2 protein (p.Asp1935Asn).

NM_001365999.1(SZT2):c.5974G>A (p.Asp1992Asn)

Gene: SZT2 (SZT2 subunit of KICSTOR complex; plus strand). Cytogenetic location: 1p34.2.
Variant type: single nucleotide variant.
Coding change: c.5974G>A on transcript NM_001365999.1 (MANE Select); coding-DNA position 5974, G replaced by A.
Protein change: p.Asp1992Asn; replaces aspartic acid 1992 with asparagine.
Molecular consequence: missense variant.
Genome position (GRCh38, 1-based): chr1:43,435,269, G>A. VCF-style: chr1-43435269-G-A. GRCh37 (hg19) VCF-style: chr1-43900940-G-A.
Other names: c.5803G>A, p.Asp1935Asn (NM_015284.4); short protein forms D1935N, D1992N.
Identifiers: ClinVar variation 1353947 (VCV001353947.8), dbSNP rs2153934653, ClinGen allele CA340027520.